The following is an entry in ClinVar:

ClinVar aggregate classification (germline): Uncertain significance. Review status: criteria provided, multiple submitters, no conflicts (2 of 4 stars). 2 submissions from 2 submitters: Uncertain significance (2). Last evaluated 2025-04-07.

Conditions:
Hereditary cancer-predisposing syndrome. Also called: Tumor predisposition; Hereditary neoplastic syndrome; Neoplastic Syndromes, Hereditary; Hereditary Cancer Syndrome. Identifiers: Orphanet 140162, MedGen C0027672, MeSH D009386, MONDO:0015356.
BAP1-related tumor predisposition syndrome (TPDS1). Also called: BAP1 tumor predisposition syndrome; Tumor susceptibility linked to germline BAP1 mutations; COMMON Syndrome; TUMOR PREDISPOSITION SYNDROME 1. Identifiers: Orphanet 289539, MedGen C3280492, MONDO:0013692, OMIM 614327.

Allele frequency attached by ClinVar (database versions not stated): gnomAD exomes below 0.00001.

Submissions (2):

Ambry Genetics
Classification: Uncertain significance for Hereditary cancer-predisposing syndrome. Last evaluated: 2025-04-07. Review status: criteria provided, single submitter. Criteria: Ambry Variant Classification Scheme 2023. Collection method: clinical testing. Allele origin: germline.
Comment: The p.A574T variant (also known as c.1720G>A), located in coding exon 13 of the BAP1 gene, results from a G to A substitution at nucleotide position 1720. The alanine at codon 574 is replaced by threonine, an amino acid with similar properties. This amino acid position is conserved. In addition, this alteration is predicted to be tolerated by in silico analysis. Based on the available evidence, the clinical significance of this variant remains unclear.

Labcorp Genetics (formerly Invitae), Labcorp
Classification: Uncertain significance for BAP1-related tumor predisposition syndrome. Last evaluated: 2021-06-24. Review status: criteria provided, single submitter. Criteria: Invitae Variant Classification Sherloc (09022015). Collection method: clinical testing. Allele origin: germline.
Comment: This variant is not present in population databases (ExAC no frequency). This sequence change replaces alanine with threonine at codon 574 of the BAP1 protein (p.Ala574Thr). The alanine residue is moderately conserved and there is a small physicochemical difference between alanine and threonine. This variant has not been reported in the literature in individuals with BAP1-related conditions. In summary, the available evidence is currently insufficient to determine the role of this variant in disease. Therefore, it has been classified as a Variant of Uncertain Significance. Algorithms developed to predict the effect of missense changes on protein structure and function output the following: SIFT: "Tolerated"; PolyPhen-2: "Benign"; Align-GVGD: "Class C0". The threonine amino acid residue is found in multiple mammalian species, suggesting that this missense change does not adversely affect protein function. These predictions have not been confirmed by published functional studies and their clinical significance is uncertain.

NM_004656.4(BAP1):c.1720G>A (p.Ala574Thr)

Gene: BAP1 (BRCA1 associated deubiquitinase 1; minus strand). Cytogenetic location: 3p21.1.
Variant type: single nucleotide variant.
Coding change: c.1720G>A on transcript NM_004656.4 (MANE Select); coding-DNA position 1720, G replaced by A.
Protein change: p.Ala574Thr; replaces alanine 574 with threonine.
Molecular consequence: missense variant.
Genome position (GRCh38, 1-based): chr3:52,403,425, C>T on the plus strand (G>A on the coding strand, the complement: BAP1 is on the minus strand). VCF-style: chr3-52403425-C-T. GRCh37 (hg19) VCF-style: chr3-52437441-C-T.
Other names: c.1720G>A (NM_004656.2); short protein forms A574T.
Identifiers: ClinVar variation 1499596 (VCV001499596.9), dbSNP rs1559586402, ClinGen allele CA353099567.